The following is an entry in ClinVar:

NM_000548.5(TSC2):c.5299C>T (p.Leu1767=)

Gene: TSC2 (TSC complex subunit 2; plus strand). Cytogenetic location: 16p13.3.
Variant type: single nucleotide variant.
Coding change: c.5299C>T on transcript NM_000548.5 (MANE Select); coding-DNA position 5299, C replaced by T.
Protein change: p.Leu1767=; no amino-acid change (leucine 1767 retained).
Molecular consequence: synonymous variant.
Genome position (GRCh38, 1-based): chr16:2,088,485, C>T. VCF-style: chr16-2088485-C-T. GRCh37 (hg19) VCF-style: chr16-2138486-C-T.
Other names: c.5098C>T, p.Leu1700= (NM_001077183.3); c.5230C>T, p.Leu1744= (NM_001114382.3); c.4990C>T, p.Leu1664= (NM_001318827.2); c.4954C>T, p.Leu1652= (NM_001318829.2); c.4567C>T, p.Leu1523= (NM_001318831.2); c.5131C>T, p.Leu1711= (NM_001318832.2); c.5101C>T, p.Leu1701= (NM_001363528.2); c.5167C>T, p.Leu1723= (NM_001370404.1); and 2 more.
Identifiers: ClinVar variation 798737 (VCV000798737.14), dbSNP rs1051758, ClinGen allele CA276759940.

ClinVar aggregate classification (germline): Benign/Likely benign. Review status: criteria provided, multiple submitters, no conflicts (2 of 4 stars). 3 submissions from 3 submitters: Benign (1); Likely benign (2). Last evaluated 2025-06-06.

Conditions:
Hereditary cancer-predisposing syndrome. Also called: Neoplastic Syndromes, Hereditary; Hereditary Cancer Syndrome; Tumor predisposition; Hereditary neoplastic syndrome. Identifiers: Orphanet 140162, MedGen C0027672, MeSH D009386, MONDO:0015356.
Tuberous sclerosis 2 (TSC2). Identifiers: Orphanet 805, MedGen C1860707, MONDO:0013199, OMIM 613254.

Submissions (3):

Myriad Genetics, Inc.
Classification: Benign for Tuberous sclerosis 2. Last evaluated: 2025-06-06. Review status: criteria provided, single submitter. Criteria: Myriad Autosomal Dominant, Autosomal Recessive and X-Linked Classification Criteria (2023). Collection method: clinical testing. Allele origin: unknown.
Comment: This variant is considered benign. This variant is a silent/synonymous amino acid change and it is not expected to impact splicing.

Ambry Genetics
Classification: Likely benign for Hereditary cancer-predisposing syndrome. Last evaluated: 2022-03-26. Review status: criteria provided, single submitter. Criteria: Ambry Variant Classification Scheme 2023. Collection method: clinical testing. Allele origin: germline.

Labcorp Genetics (formerly Invitae), Labcorp
Classification: Likely benign for Tuberous sclerosis 2. Last evaluated: 2022-02-25. Review status: criteria provided, single submitter. Criteria: Invitae Variant Classification Sherloc (09022015). Collection method: clinical testing. Allele origin: germline.